The following is an entry in ClinVar:

ClinVar aggregate classification (germline): Uncertain significance (1 of 4 stars; one submission).

Conditions:
Epileptic encephalopathy. Identifiers: MedGen C0543888, HP:0200134.

Allele frequency attached by ClinVar (database versions not stated): gnomAD exomes below 0.00001; TOPMed 0.00002; gnomAD 0.00003.
gnomAD v4.1: 7 of 1,613,458 alleles (0.00043%); highest among the groups gnomAD compares: African/African-American, 0.0093%; no homozygotes.

Submission:

Labcorp Genetics (formerly Invitae), Labcorp
Classification: Uncertain significance for Epileptic encephalopathy. Last evaluated: 2020-02-24. Review status: criteria provided, single submitter. Criteria: Invitae Variant Classification Sherloc (09022015). Collection method: clinical testing. Allele origin: germline.
Comment: This variant has not been reported in the literature in individuals with RYR3-related disease. In summary, the available evidence is currently insufficient to determine the role of this variant in disease. Therefore, it has been classified as a Variant of Uncertain Significance. Algorithms developed to predict the effect of sequence changes on RNA splicing suggest that this variant may create or strengthen a splice site, but this prediction has not been confirmed by published transcriptional studies. Algorithms developed to predict the effect of missense changes on protein structure and function output the following: SIFT: "Tolerated"; PolyPhen-2: "Benign"; Align-GVGD: "Class C0". The valine amino acid residue is found in multiple mammalian species, suggesting that this missense change does not adversely affect protein function. These predictions have not been confirmed by published functional studies and their clinical significance is uncertain. This variant is not present in population databases (ExAC no frequency). This sequence change replaces alanine with valine at codon 309 of the RYR3 protein (p.Ala309Val). The alanine residue is weakly conserved and there is a small physicochemical difference between alanine and valine.

NM_001036.6(RYR3):c.926C>T (p.Ala309Val)

Gene: RYR3 (ryanodine receptor 3; plus strand). Cytogenetic location: 15q14.
Variant type: single nucleotide variant.
Coding change: c.926C>T on transcript NM_001036.6 (MANE Select); coding-DNA position 926, C replaced by T.
Protein change: p.Ala309Val; replaces alanine 309 with valine.
Molecular consequence: missense variant.
Genome position (GRCh38, 1-based): chr15:33,550,270, C>T. VCF-style: chr15-33550270-C-T. GRCh37 (hg19) VCF-style: chr15-33842471-C-T.
Other names: c.926C>T, p.Ala309Val (NM_001243996.4); short protein forms A309V.
Identifiers: ClinVar variation 639755 (VCV000639755.10), dbSNP rs1439048896, ClinGen allele CA391562601.